The following is an entry in ClinVar:

NM_014159.7(SETD2):c.6840C>T (p.Val2280=)

Gene: SETD2 (SET domain containing 2, histone lysine methyltransferase; minus strand). Cytogenetic location: 3p21.31.
Variant type: single nucleotide variant.
Coding change: c.6840C>T on transcript NM_014159.7 (MANE Select); coding-DNA position 6840, C replaced by T.
Protein change: p.Val2280=; no amino-acid change (valine 2280 retained).
Molecular consequence: synonymous variant. On other transcripts: non-coding transcript variant (1).
Genome position (GRCh38, 1-based): chr3:47,056,944, G>A on the plus strand (C>T on the coding strand, the complement: SETD2 is on the minus strand). VCF-style: chr3-47056944-G-A. GRCh37 (hg19) VCF-style: chr3-47098434-G-A.
Other names: c.6708C>T, p.Val2236= (NM_001349370.3).
Identifiers: ClinVar variation 754844 (VCV000754844.11), dbSNP rs745791498, ClinGen allele CA2362656.

ClinVar aggregate classification (germline): Likely benign. Review status: criteria provided, single submitter (1 of 4 stars). 2 submissions from 2 submitters: Likely benign (1). 1 of the submissions does not count toward it. Last evaluated 2022-02-09.

Conditions:
SETD2-related disorder.
Luscan-Lumish syndrome. Identifiers: Orphanet 597738, MedGen C4085873, MONDO:0014791, OMIM 616831.

Allele frequency attached by ClinVar (database versions not stated): gnomAD exomes below 0.00001; ExAC 0.00001; gnomAD 0.00001; TOPMed 0.00002.
gnomAD v4.1: 9 of 1,614,106 alleles (0.00056%); highest among the groups gnomAD compares: African/African-American, 0.0053%; no homozygotes.

Submissions (2):

Labcorp Genetics (formerly Invitae), Labcorp
Classification: Likely benign for Luscan-Lumish syndrome. Last evaluated: 2022-02-09. Review status: criteria provided, single submitter. Criteria: Invitae Variant Classification Sherloc (09022015). Collection method: clinical testing. Allele origin: germline.

PreventionGenetics, part of Exact Sciences
Classification: Likely benign for SETD2-related condition. Last evaluated: 2023-12-31. Review status: no assertion criteria provided. Collection method: clinical testing. Allele origin: germline. Not counted in ClinVar's aggregate classification.
Comment: This variant is classified as likely benign based on ACMG/AMP sequence variant interpretation guidelines (Richards et al. 2015 PMID: 25741868, with internal and published modifications).